The following is an entry in ClinVar:

ClinVar aggregate classification (germline): Uncertain significance (1 of 4 stars; one submission).

Conditions:
Fetal akinesia deformation sequence 1 (FADS1). Also called: Pena-Shokeir syndrome type I; Fetal akinesia sequence. Identifiers: Orphanet 994, MedGen C1276035, MONDO:0100101, OMIM 208150, HP:0001989.
Congenital myasthenic syndrome 9. Also called: Myasthenic syndrome, congenital, 9, associated with acetylcholine receptor deficiency. Identifiers: Orphanet 590, MedGen C4225368, MONDO:0014587, OMIM 616325.

Allele frequency attached by ClinVar (database versions not stated): gnomAD 0.00001; gnomAD exomes 0.00001; TOPMed 0.00001.
gnomAD v4.1: 12 of 1,613,002 alleles (0.00074%); highest among the groups gnomAD compares: South Asian, 0.0055%; no homozygotes.

Submission:

Labcorp Genetics (formerly Invitae), Labcorp
Classification: Uncertain significance for Congenital myasthenic syndrome 9; Fetal akinesia deformation sequence 1. Last evaluated: 2021-11-08. Review status: criteria provided, single submitter. Criteria: Invitae Variant Classification Sherloc (09022015). Collection method: clinical testing. Allele origin: germline.
Comment: This sequence change replaces glycine, which is neutral and non-polar, with arginine, which is basic and polar, at codon 249 of the MUSK protein (p.Gly249Arg). The frequency data for this variant in the population databases is considered unreliable, as metrics indicate poor data quality at this position in the gnomAD database. This variant has not been reported in the literature in individuals affected with MUSK-related conditions. Algorithms developed to predict the effect of missense changes on protein structure and function (SIFT, PolyPhen-2, Align-GVGD) all suggest that this variant is likely to be disruptive. Algorithms developed to predict the effect of sequence changes on RNA splicing suggest that this variant may create or strengthen a splice site. In summary, the available evidence is currently insufficient to determine the role of this variant in disease. Therefore, it has been classified as a Variant of Uncertain Significance.

NM_005592.4(MUSK):c.745G>A (p.Gly249Arg)

Gene: MUSK (muscle associated receptor tyrosine kinase; plus strand). Cytogenetic location: 9q31.3.
Variant type: single nucleotide variant.
Coding change: c.745G>A on transcript NM_005592.4 (MANE Select); coding-DNA position 745, G replaced by A.
Protein change: p.Gly249Arg; replaces glycine 249 with arginine.
Molecular consequence: missense variant. On other transcripts: 5 prime UTR variant (1).
Genome position (GRCh38, 1-based): chr9:110,734,367, G>A. VCF-style: chr9-110734367-G-A. GRCh37 (hg19) VCF-style: chr9-113496647-G-A.
Other names: c.775G>A, p.Gly259Arg (NM_001166280.2); c.745G>A, p.Gly249Arg (NM_001166281.2); c.-492G>A (NM_001369398.1); short protein forms G259R, G249R.
Identifiers: ClinVar variation 1490150 (VCV001490150.3), dbSNP rs1372004765, ClinGen allele CA374667930.
Genomic context (GRCh38, chr9:110,734,367, plus strand): 5'-GTGACCCTGCACTGTACAGCAACAGGCATTCCTGTCCCCACCATCACCTGGATTGAAAAC[G>A]GAAATGCTGTGAGTGTCATGTGTGTGGGGACTTGTCTGGGGAAGACCCATTGGTGGTGAA-3'
Protein context (NP_005583.1, residues 239-259): PVPTITWIEN[Gly249Arg]NAVSSGSIQE